The following is an entry in ClinVar:

NM_001375567.1(FOCAD):c.2100A>C (p.Gln700His)

Gene: FOCAD (focadhesin; plus strand). Cytogenetic location: 9p21.3.
Variant type: single nucleotide variant.
Coding change: c.2100A>C on transcript NM_001375567.1 (MANE Select); coding-DNA position 2100, A replaced by C.
Protein change: p.Gln700His; replaces glutamine 700 with histidine.
Molecular consequence: missense variant.
Genome position (GRCh38, 1-based): chr9:20,865,970, A>C. VCF-style: chr9-20865970-A-C. GRCh37 (hg19) VCF-style: chr9-20865969-A-C.
Other names: c.1995A>C, p.Gln665His (NM_001375570.1, NM_001375568.1); c.2100A>C, p.Gln700His (NM_017794.5); short protein forms Q665H, Q700H.
Identifiers: ClinVar variation 4803414 (VCV004803414.1).

ClinVar aggregate classification (germline): Uncertain significance (1 of 4 stars; one submission).

gnomAD v4.1: 2 of 1,607,584 alleles (0.00012%); highest among the groups gnomAD compares: African/African-American, 0.0027%; no homozygotes.

Submission:

Labcorp Genetics (formerly Invitae), Labcorp
Classification: Uncertain significance. Last evaluated: 2025-08-19. Review status: criteria provided, single submitter. Criteria: Invitae Variant Classification Sherloc (09022015). Collection method: clinical testing. Allele origin: germline.
Comment: This sequence change replaces glutamine, which is neutral and polar, with histidine, which is basic and polar, at codon 700 of the FOCAD protein (p.Gln700His). This variant is not present in population databases (gnomAD no frequency). This variant has not been reported in the literature in individuals affected with FOCAD-related conditions. Experimental studies and prediction algorithms are not available or were not evaluated, and the functional significance of this variant is currently unknown. In summary, the available evidence is currently insufficient to determine the role of this variant in disease. Therefore, it has been classified as a Variant of Uncertain Significance.